The following is an entry in ClinVar:

NM_002907.4(RECQL):c.298A>G (p.Ile100Val)

Gene: RECQL (RecQ like helicase; minus strand). Cytogenetic location: 12p12.1.
Variant type: single nucleotide variant.
Coding change: c.298A>G on transcript NM_002907.4 (MANE Select); coding-DNA position 298, A replaced by G.
Protein change: p.Ile100Val; replaces isoleucine 100 with valine.
Molecular consequence: missense variant.
Genome position (GRCh38, 1-based): chr12:21,490,295, T>C on the plus strand (A>G on the coding strand, the complement: RECQL is on the minus strand). VCF-style: chr12-21490295-T-C. GRCh37 (hg19) VCF-style: chr12-21643229-T-C.
Other names: c.298A>G, p.Ile100Val (NM_032941.3); short protein forms I100V.
Identifiers: ClinVar variation 1798490 (VCV001798490.4), dbSNP rs1943385560, ClinGen allele CA384132990.
Genomic context (GRCh38, chr12:21,490,295, plus strand): 5'-TCTTTCCACCTCCTGTAGGCATAACAAGAAATACCTCCTTTCCAGCCATTGTTACGTTAA[T>C]AGTTTCAAGCTGAAGTGGTCTGAACTTTTCCAGTTTAAAGACATTTTGCAGAATATCTTT-3'
Protein context (NP_002898.2, residues 90-110): EKFRPLQLET[Ile100Val]NVTMAGKEVF

ClinVar aggregate classification (germline): Uncertain significance (1 of 4 stars; one submission).

Allele frequency attached by ClinVar (database versions not stated): gnomAD exomes 0.00001.
gnomAD v4.1: 5 of 1,612,936 alleles (0.00031%); highest among the groups gnomAD compares: Non-Finnish European, 0.00042%; no homozygotes.

Submission:

Ambry Genetics
Classification: Uncertain significance. Last evaluated: 2025-04-20. Review status: criteria provided, single submitter. Criteria: Ambry Variant Classification Scheme 2023. Collection method: clinical testing. Allele origin: germline.
Comment: The p.I100V variant (also known as c.298A>G), located in coding exon 3 of the RECQL gene, results from an A to G substitution at nucleotide position 298. The isoleucine at codon 100 is replaced by valine, an amino acid with highly similar properties. This amino acid position is well conserved in available vertebrate species. In addition, this alteration is predicted to be tolerated by in silico analysis. Since supporting evidence is limited at this time, the clinical significance of this alteration remains unclear.